The following is an entry in ClinVar:

ClinVar aggregate classification (germline): Pathogenic (1 of 4 stars; one submission).

Conditions:
X-linked agammaglobulinemia with growth hormone deficiency (IGHD3). Also called: FLEISHER SYNDROME; HYPOGAMMAGLOBULINEMIA AND ISOLATED GROWTH HORMONE DEFICIENCY, X-LINKED; IGHD III; AGAMMAGLOBULINEMIA AND ISOLATED GROWTH HORMONE DEFICIENCY, X-LINKED; Isolated growth hormone deficiency type 3; Growth hormone deficiency with hypogammaglobulinemia. Identifiers: Orphanet 231692, Orphanet 631, MedGen C0472813, MONDO:0010615, OMIM 307200.

Submission:

Labcorp Genetics (formerly Invitae), Labcorp
Classification: Pathogenic for X-linked agammaglobulinemia with growth hormone deficiency. Last evaluated: 2019-05-14. Review status: criteria provided, single submitter. Criteria: Invitae Variant Classification Sherloc (09022015). Collection method: clinical testing. Allele origin: germline.
Comment: For these reasons, this variant has been classified as Pathogenic. Loss-of-function variants in BTK are known to be pathogenic (PMID: 15661032, 16862044, 19419768). This variant has been observed in an individual affected with X-linked agammaglobulinemia (PMID: 15661032). This variant is not present in population databases (ExAC no frequency). This sequence change creates a premature translational stop signal (p.Tyr112*) in the BTK gene. It is expected to result in an absent or disrupted protein product.

Literature cited by the submitters: PubMed 15661032; PubMed 16862044; PubMed 19419768.

NM_000061.3(BTK):c.336C>G (p.Tyr112Ter)

Gene: BTK (Bruton tyrosine kinase; minus strand). Cytogenetic location: Xq22.1.
Variant type: single nucleotide variant.
Coding change: c.336C>G on transcript NM_000061.3 (MANE Select); coding-DNA position 336, C replaced by G.
Protein change: p.Tyr112Ter; replaces tyrosine 112 with a stop codon.
Molecular consequence: nonsense.
Genome position (GRCh38, 1-based): chrX:101,370,053, G>C on the plus strand (C>G on the coding strand, the complement: BTK is on the minus strand). VCF-style: chrX-101370053-G-C. GRCh37 (hg19) VCF-style: chrX-100625041-G-C.
Other names: c.438C>G, p.Tyr146Ter (NM_001287344.2); c.336C>G, p.Tyr112Ter (NM_001287345.2); short protein forms Y112*, Y146*.
Identifiers: ClinVar variation 941998 (VCV000941998.10), dbSNP rs1409835623, ClinGen allele CA413937216.